The following is an entry in ClinVar:

ClinVar aggregate classification (germline): Uncertain significance (1 of 4 stars; one submission).

Conditions:
SEMA3C-related disorder. Also called: SEMA3C-related condition.

Submission:

PreventionGenetics, part of Exact Sciences
Classification: Uncertain significance for SEMA3C-related condition. Last evaluated: 2026-08-07. Review status: criteria provided, single submitter. Criteria: ACMG Guidelines, 2015. Collection method: clinical testing. Allele origin: germline.
Comment: The SEMA3C c.244G>A variant is predicted to result in the amino acid substitution p.Asp82Asn. To our knowledge, this variant has not been reported in the literature or in a large population database (gnomAD), indicating this variant is rare. At this time, the clinical significance of this variant is uncertain due to the absence of conclusive functional and genetic evidence.

NM_006379.5(SEMA3C):c.190G>A (p.Asp64Asn)

Gene: SEMA3C (semaphorin 3C; minus strand). Cytogenetic location: 7q21.11.
Variant type: single nucleotide variant.
Coding change: c.190G>A on transcript NM_006379.5 (MANE Select); coding-DNA position 190, G replaced by A.
Protein change: p.Asp64Asn; replaces aspartic acid 64 with asparagine.
Molecular consequence: missense variant.
Genome position (GRCh38, 1-based): chr7:80,828,659, C>T on the plus strand (G>A on the coding strand, the complement: SEMA3C is on the minus strand). VCF-style: chr7-80828659-C-T. GRCh37 (hg19) VCF-style: chr7-80457975-C-T.
Other names: c.244G>A, p.Asp82Asn (NM_001350120.2); c.16G>A, p.Asp6Asn (NM_001350121.2); short protein forms D64N, D6N, D82N.
Identifiers: ClinVar variation 4990950 (VCV004990950.1).
Genomic context (GRCh38, chr7:80,828,659, plus strand): 5'-GACTTATATTGTTAATATTCAGGGAAAGAATGTGATCTTTGCTTCCCACATATATCCGGT[C>T]CTGATCTTCATCCATTAATAAAATCCTGTAGTCTAAAGGATGGTGGGAAAGGCTGAAGTA-3'
Protein context (NP_006370.1, residues 54-74): YRILLMDEDQ[Asp64Asn]RIYVGSKDHI